The following is an entry in ClinVar:

ClinVar aggregate classification (germline): Likely benign. Review status: criteria provided, multiple submitters, no conflicts (2 of 4 stars). 7 submissions from 7 submitters: Likely benign (7). Last evaluated 2026-01-17.

Conditions:
Cardiovascular phenotype. Identifiers: MedGen CN230736.
Cardiac arrhythmia. Also called: Cardiac rhythm disease; Arrhythmia. Identifiers: MedGen C0003811, MONDO:0007263, HP:0011675.
Long QT syndrome (LQTS). Identifiers: MedGen C0023976, MeSH D008133, MONDO:0002442. Disease mechanism: loss of function. Inheritance: Various modes of inheritance.

Allele frequency attached by ClinVar (database versions not stated): TOPMed 0.00002.
gnomAD v4.1: 193 of 1,614,048 alleles (0.012%); highest among the groups gnomAD compares: Non-Finnish European, 0.015%; no homozygotes.

Submissions (7):

Labcorp Genetics (formerly Invitae), Labcorp
Classification: Likely benign for Long QT syndrome. Last evaluated: 2026-01-17. Review status: criteria provided, single submitter. Criteria: Invitae Variant Classification Sherloc (09022015). Collection method: clinical testing. Allele origin: germline.

Women's Health and Genetics/Laboratory Corporation of America, LabCorp
Classification: Likely benign. Last evaluated: 2026-01-12. Review status: criteria provided, single submitter. Criteria: LabCorp Variant Classification Summary - May 2015. Collection method: clinical testing. Allele origin: germline.

Blueprint Genetics
Classification: Likely benign. Last evaluated: 2024-05-03. Review status: criteria provided, single submitter. Criteria: ACMG Guidelines, 2015. Collection method: clinical testing. Allele origin: germline.

All of Us Research Program, National Institutes of Health
Classification: Likely benign for Long QT syndrome. Last evaluated: 2024-02-05. Review status: criteria provided, single submitter. Criteria: ACMG Guidelines, 2015. Collection method: clinical testing. Allele origin: germline. Inheritance: Autosomal dominant inheritance. Observed: 15 variant alleles, 15 heterozygotes.
Comment: This study involves interpretation of variants in research participants for the purpose of population health screening. Participant phenotype was not available at the time of variant classification. Additional details can be found in publication PMID: 35346344, PMCID: PMC8962531

Color Diagnostics, LLC DBA Color Health
Classification: Likely benign for Arrhythmia. Last evaluated: 2019-07-27. Review status: criteria provided, single submitter. Criteria: ACMG Guidelines, 2015. Collection method: clinical testing. Allele origin: germline.

Ambry Genetics
Classification: Likely benign for Cardiovascular phenotype. Last evaluated: 2018-11-08. Review status: criteria provided, single submitter. Criteria: Ambry Variant Classification Scheme 2023. Collection method: clinical testing. Allele origin: germline.

GeneDx
Classification: Likely benign. Last evaluated: 2016-03-02. Review status: criteria provided, single submitter. Criteria: GeneDx Variant Classification (06012015). Collection method: clinical testing. Allele origin: germline. Affected: yes.
Comment: This variant is considered likely benign or benign based on one or more of the following criteria: it is a conservative change, it occurs at a poorly conserved position in the protein, it is predicted to be benign by multiple in silico algorithms, and/or has population frequency not consistent with disease.

NM_000238.4(KCNH2):c.1320G>A (p.Pro440=)

Gene: KCNH2 (potassium voltage-gated channel subfamily H member 2; minus strand). Cytogenetic location: 7q36.1.
Variant type: single nucleotide variant.
Coding change: c.1320G>A on transcript NM_000238.4 (MANE Select); coding-DNA position 1320, G replaced by A.
Protein change: p.Pro440=; no amino-acid change (proline 440 retained).
Molecular consequence: synonymous variant. On other transcripts: non-coding transcript variant (2).
Genome position (GRCh38, 1-based): chr7:150,952,662, C>T on the plus strand (G>A on the coding strand, the complement: KCNH2 is on the minus strand). VCF-style: chr7-150952662-C-T. GRCh37 (hg19) VCF-style: chr7-150649750-C-T.
Other names: c.300G>A, p.Pro100= (NM_001204798.2, NM_172057.3); c.1032G>A, p.Pro344= (NM_001406753.1, NM_001406756.1); c.1143G>A, p.Pro381= (NM_001406755.1); c.1020G>A, p.Pro340= (NM_001406757.1); c.1320G>A, p.Pro440= (NM_172056.3).
Identifiers: ClinVar variation 377954 (VCV000377954.21), dbSNP rs144926928, ClinGen allele CA027656.
Genomic context (GRCh38, chr7:150,952,662, plus strand): 5'-GTCCACGATGAGGTCCACCACAGCCAGCGGCTGGCAGGCGTAGCCACACTCGGTAGCAGG[C>T]GGGCCTTCTTCCGTCTCCTTCAGCAGGAAGGCAGCCGAGTAGGGTGTGAAGACAGCCGTG-3'
Protein context (NP_000229.1, residues 430-450): AFLLKETEEG[Pro440=]PATECGYACQ